The following is an entry in ClinVar:

ClinVar aggregate classification (germline): Benign/Likely benign. Review status: criteria provided, multiple submitters, no conflicts (2 of 4 stars). 4 submissions from 4 submitters: Benign (2); Likely benign (2). Last evaluated 2026-05-01.

Conditions:
Inborn genetic diseases. Identifiers: MedGen C0950123, MeSH D030342.

Allele frequency attached by ClinVar (database versions not stated): gnomAD 0.00001; TOPMed 0.00005; ExAC 0.00017; gnomAD exomes 0.00017.
gnomAD v4.1: 44 of 1,613,748 alleles (0.0027%); highest among the groups gnomAD compares: Admixed American, 0.072%; no homozygotes.

Submissions (4):

CeGaT Center for Human Genetics Tuebingen
Classification: Likely benign. Last evaluated: 2026-05-01. Review status: criteria provided, single submitter. Criteria: CeGaT Center For Human Genetics Tuebingen Variant Classification Criteria Version 2. Collection method: clinical testing. Allele origin: germline. Affected: yes. Observed: 1 variant allele.
Comment: KAT6A: BP4, BP7

Labcorp Genetics (formerly Invitae), Labcorp
Classification: Benign. Last evaluated: 2025-12-10. Review status: criteria provided, single submitter. Criteria: Invitae Variant Classification Sherloc (09022015). Collection method: clinical testing. Allele origin: germline.

GeneDx
Classification: Benign. Last evaluated: 2021-06-04. Review status: criteria provided, single submitter. Criteria: GeneDx Variant Classification Process June 2021. Collection method: clinical testing. Allele origin: germline. Affected: yes.

Ambry Genetics
Classification: Likely benign for Inborn genetic diseases. Last evaluated: 2017-04-28. Review status: criteria provided, single submitter. Criteria: Ambry Variant Classification Scheme 2023. Collection method: clinical testing. Allele origin: germline.

NM_006766.5(KAT6A):c.648A>G (p.Lys216=)

Gene: KAT6A (lysine acetyltransferase 6A; minus strand). Cytogenetic location: 8p11.21.
Variant type: single nucleotide variant.
Coding change: c.648A>G on transcript NM_006766.5 (MANE Select); coding-DNA position 648, A replaced by G.
Protein change: p.Lys216=; no amino-acid change (lysine 216 retained).
Molecular consequence: synonymous variant.
Genome position (GRCh38, 1-based): chr8:41,987,516, T>C on the plus strand (A>G on the coding strand, the complement: KAT6A is on the minus strand). VCF-style: chr8-41987516-T-C. GRCh37 (hg19) VCF-style: chr8-41845034-T-C.
Other names: c.648A>G, p.Lys216= (NM_001305878.2).
Identifiers: ClinVar variation 589011 (VCV000589011.13), dbSNP rs764533676, ClinGen allele CA4730373.